The following is an entry in ClinVar:

NM_174916.3(UBR1):c.5007dup (p.Ile1670fs)

Gene: UBR1 (ubiquitin protein ligase E3 component n-recognin 1; minus strand). Cytogenetic location: 15q15.2.
Variant type: Duplication.
Coding change: c.5007dup on transcript NM_174916.3 (MANE Select); coding-DNA position 5007, one base duplicated (A; older notation c.5007dupA).
Protein change: p.Ile1670fs; shifts the reading frame from isoleucine 1670.
Molecular consequence: frameshift variant.
Genome position (GRCh38, 1-based): chr15:42,950,362, T duplicated on the plus strand (A on the coding strand, the reverse complement: UBR1 is on the minus strand); the first of 2 consecutive T bases (chr15:42,950,362-42,950,363); duplicating either gives the same sequence. VCF-style (leftmost placement, unchanged base first): chr15-42950361-A-AT. GRCh37 (hg19) VCF-style: chr15-43242559-A-AT.
Other names: short protein forms I1670fs.
Identifiers: ClinVar variation 1409633 (VCV001409633.6), dbSNP rs2141248696, ClinGen allele CA2573150759.

ClinVar aggregate classification (germline): Pathogenic (1 of 4 stars; one submission).

Submission:

Labcorp Genetics (formerly Invitae), Labcorp
Classification: Pathogenic. Last evaluated: 2021-05-18. Review status: criteria provided, single submitter. Criteria: Invitae Variant Classification Sherloc (09022015). Collection method: clinical testing. Allele origin: germline.
Comment: For these reasons, this variant has been classified as Pathogenic. This variant has not been reported in the literature in individuals with UBR1-related conditions. This variant is not present in population databases (ExAC no frequency). This sequence change creates a premature translational stop signal (p.Ile1670Asnfs*10) in the UBR1 gene. It is expected to result in an absent or disrupted protein product. Loss-of-function variants in UBR1 are known to be pathogenic (PMID: 24599544).

Literature cited by the submitters: PubMed 24599544.